The following is an entry in ClinVar:

ClinVar aggregate classification (germline): Uncertain significance (1 of 4 stars; one submission).

Allele frequency attached by ClinVar (database versions not stated): gnomAD exomes below 0.00001.
gnomAD v4.1: 2 of 1,614,050 alleles (0.00012%); highest among the groups gnomAD compares: Non-Finnish European, 0.00017%; no homozygotes.

Submission:

GeneDx
Classification: Uncertain significance. Last evaluated: 2022-09-08. Review status: criteria provided, single submitter. Criteria: GeneDx Variant Classification Process June 2021. Collection method: clinical testing. Allele origin: germline. Affected: yes.
Comment: Not observed at significant frequency in large population cohorts (gnomAD); In silico analysis supports that this missense variant does not alter protein structure/function; Has not been previously published as pathogenic or benign to our knowledge; This variant is associated with the following publications: (PMID: 18466115)

NM_000548.5(TSC2):c.102A>C (p.Lys34Asn)

Gene: TSC2 (TSC complex subunit 2; plus strand). Cytogenetic location: 16p13.3.
Variant type: single nucleotide variant.
Coding change: c.102A>C on transcript NM_000548.5 (MANE Select); coding-DNA position 102, A replaced by C.
Protein change: p.Lys34Asn; replaces lysine 34 with asparagine.
Molecular consequence: missense variant. On other transcripts: 5 prime UTR variant (1), intron variant (1).
Genome position (GRCh38, 1-based): chr16:2,048,717, A>C. VCF-style: chr16-2048717-A-C. GRCh37 (hg19) VCF-style: chr16-2098718-A-C.
Other names: c.102A>C, p.Lys34Asn (NM_001077183.3, NM_001114382.3, NM_001318827.2 and 13 more transcripts); c.-125A>C (NM_001318831.2, NM_001406682.1, NM_001406684.1 and 2 more transcripts); c.135A>C, p.Lys45Asn (NM_001318832.2); c.-715A>C (NM_001406680.1, NM_001406683.1, NM_001406687.1); c.-344A>C (NM_001406681.1); c.-1330A>C (NM_001406689.1, NM_001406690.1, NM_001406691.1 and 2 more transcripts); c.-1636A>C (NM_001406693.1); c.-1211A>C (NM_001406694.1, NM_001406695.1); and 3 more; short protein forms K34N, K45N.
Identifiers: ClinVar variation 2443651 (VCV002443651.1), dbSNP rs2150972734, ClinGen allele CA394301506.